The following is an entry in ClinVar:

NM_012424.6(RPS6KC1):c.350A>C (p.Asn117Thr)

Gene: RPS6KC1 (ribosomal protein S6 kinase C1; plus strand). Cytogenetic location: 1q32.3.
Variant type: single nucleotide variant.
Coding change: c.350A>C on transcript NM_012424.6 (MANE Select); coding-DNA position 350, A replaced by C.
Protein change: p.Asn117Thr; replaces asparagine 117 with threonine.
Molecular consequence: missense variant. On other transcripts: 5 prime UTR variant (27), non-coding transcript variant (4).
Genome position (GRCh38, 1-based): chr1:213,104,541, A>C. VCF-style: chr1-213104541-A-C. GRCh37 (hg19) VCF-style: chr1-213277883-A-C.
Other names: c.314A>C, p.Asn105Thr (NM_001136138.4); c.-272A>C (NM_001287218.3, NM_001349650.2, NM_001349653.2 and 1 more transcripts); c.-194A>C (NM_001287219.3, NM_001287221.3, NM_001349648.2 and 1 more transcripts); c.-865A>C (NM_001287220.3, NM_001349666.2, NM_001349667.2 and 1 more transcripts); c.350A>C, p.Asn117Thr (NM_001349646.2, NM_001349647.2); c.-393A>C (NM_001349651.2); c.-343A>C (NM_001349652.2); c.-85A>C (NM_001349657.2); and 9 more; short protein forms N105T, N117T.
Identifiers: ClinVar variation 1412378 (VCV001412378.6), dbSNP rs1178486862, ClinGen allele CA344806307.

ClinVar aggregate classification (germline): Uncertain significance (1 of 4 stars; one submission).

Submission:

Labcorp Genetics (formerly Invitae), Labcorp
Classification: Uncertain significance. Last evaluated: 2021-08-19. Review status: criteria provided, single submitter. Criteria: Invitae Variant Classification Sherloc (09022015). Collection method: clinical testing. Allele origin: germline.
Comment: This sequence change replaces asparagine with threonine at codon 117 of the RPS6KC1 protein (p.Asn117Thr). The asparagine residue is moderately conserved and there is a small physicochemical difference between asparagine and threonine. In summary, the available evidence is currently insufficient to determine the role of this variant in disease. Therefore, it has been classified as a Variant of Uncertain Significance. Algorithms developed to predict the effect of missense changes on protein structure and function are either unavailable or do not agree on the potential impact of this missense change (SIFT: "Tolerated"; PolyPhen-2: "Possibly Damaging"; Align-GVGD: "Class C0"). This variant has not been reported in the literature in individuals affected with RPS6KC1-related conditions. This variant is not present in population databases (ExAC no frequency).